The following is an entry in ClinVar:

NM_002585.4(PBX1):c.509A>G (p.Gln170Arg)

Gene: PBX1 (PBX homeobox 1; plus strand). Cytogenetic location: 1q23.3.
Variant type: single nucleotide variant.
Coding change: c.509A>G on transcript NM_002585.4 (MANE Select); coding-DNA position 509, A replaced by G.
Protein change: p.Gln170Arg; replaces glutamine 170 with arginine.
Molecular consequence: missense variant.
Genome position (GRCh38, 1-based): chr1:164,792,737, A>G. VCF-style: chr1-164792737-A-G. GRCh37 (hg19) VCF-style: chr1-164761974-A-G.
Other names: c.509A>G, p.Gln170Arg (NM_001204961.2, NM_001204963.2, NM_001353131.2); c.260A>G, p.Gln87Arg (NM_001353130.1); short protein forms Q170R, Q87R.
Identifiers: ClinVar variation 4076550 (VCV004076550.1).

ClinVar aggregate classification (germline): Uncertain significance (1 of 4 stars; one submission).

Submission:

GeneDx
Classification: Uncertain significance. Last evaluated: 2025-02-25. Review status: criteria provided, single submitter. Criteria: GeneDx Variant Classification Process June 2021. Collection method: clinical testing. Allele origin: germline. Affected: yes.
Comment: Not observed at significant frequency in large population cohorts (gnomAD); In silico analysis supports that this missense variant has a deleterious effect on protein structure/function; Has not been previously published as pathogenic or benign to our knowledge; In silico analysis is inconclusive as to whether the variant alters gene splicing. In the absence of RNA/functional studies, the actual effect of this sequence change is unknown.